The following is an entry in ClinVar:

ClinVar aggregate classification (germline): Uncertain significance (1 of 4 stars; one submission).

Conditions:
Inborn genetic diseases. Identifiers: MedGen C0950123, MeSH D030342.

gnomAD v4.1: 7 of 1,613,878 alleles (0.00043%); highest among the groups gnomAD compares: Non-Finnish European, 0.00059%; no homozygotes.

Submission:

Ambry Genetics
Classification: Uncertain significance for Inborn genetic diseases. Last evaluated: 2025-07-21. Review status: criteria provided, single submitter. Criteria: Ambry Variant Classification Scheme 2023. Collection method: clinical testing. Allele origin: germline.
Comment: The p.F188L variant (also known as c.562T>C), located in coding exon 4 of the MECOM gene, results from a T to C substitution at nucleotide position 562. The phenylalanine at codon 188 is replaced by leucine, an amino acid with highly similar properties. This amino acid position is conserved. In addition, this alteration is predicted to be tolerated by in silico analysis. Based on the available evidence, the clinical significance of this variant remains unclear.

NM_004991.4(MECOM):c.562T>C (p.Phe188Leu)

Gene: MECOM (MDS1 and EVI1 complex locus; minus strand). Cytogenetic location: 3q26.2.
Variant type: single nucleotide variant.
Coding change: c.562T>C on transcript NM_004991.4 (MANE Select); coding-DNA position 562, T replaced by C.
Protein change: p.Phe188Leu; replaces phenylalanine 188 with leucine.
Molecular consequence: missense variant. On other transcripts: 5 prime UTR variant (12).
Genome position (GRCh38, 1-based): chr3:169,131,480, A>G on the plus strand (T>C on the coding strand, the complement: MECOM is on the minus strand). VCF-style: chr3-169131480-A-G. GRCh37 (hg19) VCF-style: chr3-168849268-A-G.
Other names: c.190T>C, p.Phe64Leu (NM_001105077.4); c.-3T>C (NM_001105078.4, NM_001163999.2, NM_001164000.2 and 9 more transcripts); c.562T>C, p.Phe188Leu (NM_001366466.2, NM_001366473.2); short protein forms F64L, F188L.
Identifiers: ClinVar variation 4105785 (VCV004105785.1).
Genomic context (GRCh38, chr3:169,131,480, plus strand): 5'-GGTACTAACCGTGGATATCCGGCGCCATAGTTTCATGGGGATAGTCTTCGCTCTTCATGA[A>G]CAGCAGAAGCTCCTCTCCCGGCGCAATGTCTGCAACTACTCTATAGAATATCTTTAAAGA-3'
Protein context (NP_004982.2, residues 178-198): DIAPGEELLL[Phe188Leu]MKSEDYPHET